The following is an entry in ClinVar:

NM_001319074.4(RAX2):c.236G>A (p.Arg79Gln)

Gene: RAX2 (retina and anterior neural fold homeobox 2; minus strand). Cytogenetic location: 19p13.3.
Variant type: single nucleotide variant.
Coding change: c.236G>A on transcript NM_001319074.4 (MANE Select); coding-DNA position 236, G replaced by A.
Protein change: p.Arg79Gln; replaces arginine 79 with glutamine.
Molecular consequence: missense variant.
Genome position (GRCh38, 1-based): chr19:3,770,940, C>T on the plus strand (G>A on the coding strand, the complement: RAX2 is on the minus strand). VCF-style: chr19-3770940-C-T. GRCh37 (hg19) VCF-style: chr19-3770938-C-T.
Other names: c.236G>A, p.Arg79Gln (NM_032753.4); short protein forms R79Q.
Identifiers: ClinVar variation 834258 (VCV000834258.16), dbSNP rs779301810, ClinGen allele CA9085064.
Genomic context (GRCh38, chr19:3,770,940, plus strand): 5'-CTCGGAGCTGCCACGGCACCCGAGCCTGACTCCAGCCGCTCCTGGCGGCGCCACTTGGCC[C>T]GGCGGTTCTGGAACCACACCTGGAGGGTGCGAGAGGGAAGGGGGGTTGCTGTGAGCTCAG-3'
Protein context (NP_001306003.2, residues 69-89): VRVQVWFQNR[Arg79Gln]AKWRRQERLE

ClinVar aggregate classification (germline): Conflicting classifications of pathogenicity. Review status: criteria provided, conflicting classifications (1 of 4 stars). 6 submissions from 6 submitters: Pathogenic (2); Likely pathogenic (1); Uncertain significance (3). Last evaluated 2025-07-13.

Conditions:
RAX2-related disorder. Also called: RAX2-related disorders; RAX2-related condition.
Age related macular degeneration 6. Identifiers: MedGen C3151060, MONDO:0013406, OMIM 613757.
Retinal dystrophy. Also called: Inherited retinal dystrophy. Identifiers: Orphanet 71862, MedGen C0854723, MeSH D058499, MONDO:0019118, HP:0000556.

Allele frequency attached by ClinVar (database versions not stated): gnomAD 0.00005 and 0.00007; TOPMed 0.00005; gnomAD exomes 0.00002 and 0.00004; ExAC 0.00005.
gnomAD v4.1: 71 of 1,562,120 alleles (0.0045%); highest among the groups gnomAD compares: Non-Finnish European, 0.0048%; no homozygotes.

Submissions (6):

PreventionGenetics, part of Exact Sciences
Classification: Uncertain significance for RAX2-related condition. Last evaluated: 2025-07-13. Review status: criteria provided, single submitter. Criteria: ACMG Guidelines, 2015. Collection method: clinical testing. Allele origin: germline.
Comment: The RAX2 c.236G>A variant is predicted to result in the amino acid substitution p.Arg79Gln. This variant was reported in the homozygous state in an individual with retinal dystrophy (reported as c.374G>A in Biswas et al. 2021. PubMed ID: 34662339). This variant is reported in 0.013% of alleles in individuals of East Asian descent in gnomAD. At this time, the clinical significance of this variant is uncertain due to the absence of conclusive functional and genetic evidence.

GeneDx
Classification: Likely pathogenic. Last evaluated: 2025-06-24. Review status: criteria provided, single submitter. Criteria: GeneDx Variant Classification Process June 2021. Collection method: clinical testing. Allele origin: germline. Affected: yes.
Comment: In silico analysis supports that this missense variant has a deleterious effect on protein structure/function; This variant is associated with the following publications: (PMID: 26352687, 39858579, 34662339)

Labcorp Genetics (formerly Invitae), Labcorp
Classification: Pathogenic. Last evaluated: 2025-05-13. Review status: criteria provided, single submitter. Criteria: Invitae Variant Classification Sherloc (09022015). Collection method: clinical testing. Allele origin: germline.
Comment: This sequence change replaces arginine, which is basic and polar, with glutamine, which is neutral and polar, at codon 79 of the RAX2 protein (p.Arg79Gln). The frequency data for this variant in the population databases is considered unreliable, as metrics indicate poor data quality at this position in the gnomAD database. This missense change has been observed in individual(s) with clinical features of autosomal recessive RAX2-related conditions (PMID: 34662339; internal data). It has also been observed to segregate with disease in related individuals. ClinVar contains an entry for this variant (Variation ID: 834258). An algorithm developed to predict the effect of missense changes on protein structure and function (PolyPhen-2) suggests that this variant is likely to be disruptive. This variant disrupts the p.Arg79 amino acid residue in RAX2. Other variant(s) that disrupt this residue have been observed in individuals with RAX2-related conditions (internal data), which suggests that this may be a clinically significant amino acid residue. For these reasons, this variant has been classified as Pathogenic.

Institute of Human Genetics, Univ. Regensburg, Univ. Regensburg
Classification: Uncertain significance for Retinal dystrophy. Last evaluated: 2023-01-01. Review status: criteria provided, single submitter. Criteria: ACMG Guidelines, 2015. Collection method: clinical testing. Allele origin: germline. Affected: yes.

Blueprint Genetics
Classification: Pathogenic for RAX2-related disorders. Last evaluated: 2021-12-28. Review status: criteria provided, single submitter. Criteria: ACMG Guidelines, 2015. Collection method: clinical testing. Allele origin: germline. Affected: yes. Observed: 5 variant alleles.

Centre for Mendelian Genomics, University Medical Centre Ljubljana
Classification: Uncertain significance for Age related macular degeneration 6. Last evaluated: 2019-11-12. Review status: criteria provided, single submitter. Criteria: ACMG Guidelines, 2015. Collection method: clinical testing. Allele origin: unknown. Affected: yes.
Comment: This variant was classified as: Uncertain significance. The available evidence on this variant's pathogenicity is insufficient or conflicting. The following ACMG criteria were applied in classifying this variant: PM2,PP2,PP3.

Literature cited by the submitters: PubMed 34662339 (cited by Labcorp Genetics (formerly Invitae), Labcorp and Institute of Human Genetics, Univ. Regensburg, Univ. Regensburg).